The following is an entry in ClinVar:

NM_000518.5(HBB):c.4G>A (p.Val2Met)

Genes: HBB (hemoglobin subunit beta; minus strand), LOC106099062 (HBB recombination region; plus strand), LOC107133510 (origin of replication at HBB; plus strand). Cytogenetic location: 11p15.4.
Variant type: single nucleotide variant.
Coding change: c.4G>A on transcript NM_000518.5 (MANE Select); coding-DNA position 4, G replaced by A.
Protein change: p.Val2Met; replaces valine 2 with methionine.
Molecular consequence: missense variant.
Genome position (GRCh38, 1-based): chr11:5,227,018, C>T on the plus strand (G>A on the coding strand, the complement: HBB is on the minus strand). VCF-style: chr11-5227018-C-T. GRCh37 (hg19) VCF-style: chr11-5248248-C-T.
Other names: HBB, NH2 EXTENSION, VAL1MET, METi RETAINED; short protein forms V2M.
Identifiers: ClinVar variation 15359 (VCV000015359.7), dbSNP rs33958358, ClinGen allele CA125180.

ClinVar aggregate classification (germline): Conflicting classifications of pathogenicity. Review status: criteria provided, conflicting classifications (1 of 4 stars). 6 submissions from 6 submitters: Uncertain significance (2); Likely benign (1). 3 of the submissions do not count toward it. Last evaluated 2024-02-01.

Conditions:
beta Thalassemia (BTHAL). Also called: Cooley's anemia; Erythroblastic anemia; Mediterranean anemia. Identifiers: Orphanet 848, MedGen C0005283, MONDO:0019402. Disease mechanism: loss of function.
HEMOGLOBIN SOUTH FLORIDA.

Allele frequency attached by ClinVar (database versions not stated): gnomAD exomes below 0.00001 and 0.00001.
gnomAD v4.1: 9 of 1,595,386 alleles (0.00056%); highest among the groups gnomAD compares: Non-Finnish European, 0.00077%; no homozygotes.

Submissions (6):

ARUP Laboratories, Molecular Genetics and Genomics, ARUP Laboratories
Classification: Likely benign. Last evaluated: 2024-02-01. Review status: criteria provided, single submitter. Criteria: ARUP Molecular Germline Variant Investigation Process 2024. Collection method: clinical testing. Allele origin: germline.
Comment: The Hb South Florida variant (HBB: c.4G>A; p.Val2Met, also known as Val1Met when numbered from the mature protein, rs33958358, HbVar ID: 713) is reported in the heterozygous state in asymptomatic individuals (Shah 1986). Additionally, it has been reported compound heterozygous with a pathogenic HBB variant in an individual presenting only with beta-thalassemia trait, suggesting a neutral effect for the Hb South Florida variant (Tan 2006 and 2009). Functional studies report this variant interferes with measurements of HbA1c (Boissel 1985, Shah 1986). This variant is reported in ClinVar (Variation ID: 15359). It is only found on one allele in the Genome Aggregation Database, indicating it is not a common polymorphism. Computational analyses predict that this variant is deleterious (REVEL: 0.82). Based on available information this variant is considered to be likely benign. References: Link to HbVar database: Boissel JP et al. Amino-terminal processing of proteins: hemoglobin South Florida, a variant with retention of initiator methionine and N alpha-acetylation. Proc Natl Acad Sci U S A. 1985 Dec;82(24):8448-52. PMID: 3866233. Shah SC et al. Hemoglobin South Florida. New variant with normal electrophoretic pattern mistaken for glycosylated hemoglobin. Diabetes. 1986 Oct;35(10):1073-6. PMID: 3758492. Tan JA et al. Characterisation and confirmation of rare beta-thalassaemia mutations in the Malay, Chinese and Indian ethnic groups in Malaysia. Pathology. 2006 Oct;38(5):437-41. PMID: 17008283. Tan JA et al. Interaction of Hb South Florida (codon 1; GTG-->ATG) and HbE, with beta-thalassemia (IVS1-1; G-->A): expression of different clinical phenotypes. Eur J Pediatr. 2009 Sep;168(9):1049-54. PMID: 19034506.

Women's Health and Genetics/Laboratory Corporation of America, LabCorp
Classification: Uncertain significance. Last evaluated: 2019-04-19. Review status: criteria provided, single submitter. Criteria: LabCorp Variant Classification Summary - May 2015. Collection method: clinical testing. Allele origin: germline.
Comment: Variant summary: HBB c.4G>A (p.Val2Met; also known as Hb South Florida) results in a conservative amino acid change in the encoded protein sequence. Three of five in-silico tools predict a damaging effect of the variant on protein function. The variant allele was found at a frequency of 4e-06 in 251128 control chromosomes (gnomAD). The available data on variant occurrences in the general population are insufficient to allow any conclusion about variant significance. The variant is known to interfere with some methods of HbA1c determination and has been (falsely) reported in several carriers as elevated HbA1c, but without clinical evidence of any hematologic abnormality (Shah 1986, Aslanger 2013, Celebiler 2014, Canatan 2016). These data indicate that this variant does not produce any clinical symptoms in heterozygous state. According to our knowledge, only one compound heterozygous individual has been reported in the literature who carried a pathogenic variant (c.92+1G>A) for beta-0-thalassemia in trans, and presented with beta-thalassemia trait without clinical manifestations (Tan 2006, Tan 2009). Since compound heterozygosity for two pathogenic variants would result in a more severe phenotype, this report provides supportive evidence for a benign role (Tan 2009). Early reports demonstrated that the variant prevents the cleavage of the initiator methionine (Boissel 1985), but does not result in an unstable hemoglobin (Shah 1986). However, to our knowledge no other studies performed further functional characterization, thus allowing no convincing conclusions about the variant effect. One clinical diagnostic laboratory has submitted clinical-significance assessments for this variant to ClinVar after 2014 without evidence for independent evaluation, and classified the variant as uncertain significance. Based on the evidence outlined above, the variant was classified as VUS-possibly benign.

Quest Diagnostics Nichols Institute San Juan Capistrano
Classification: Uncertain significance. Last evaluated: 2017-03-21. Review status: criteria provided, single submitter. Criteria: Quest Diagnostics criteria. Collection method: clinical testing. Allele origin: germline.

Molecular Genetics Laboratory, BC Children's and BC Women's Hospitals
Classification: Likely benign for beta Thalassemia. Last evaluated: 2023-09-08. Review status: no assertion criteria provided. Criteria: ACMG Guidelines, 2015. Collection method: clinical testing. Allele origin: germline. Affected: no. Not counted in ClinVar's aggregate classification.

Natera, Inc.
Classification: Uncertain significance for Beta thalassemia. Last evaluated: 2020-08-19. Review status: no assertion criteria provided. Collection method: clinical testing. Allele origin: germline. Not counted in ClinVar's aggregate classification.

OMIM
Classification: other for HEMOGLOBIN SOUTH FLORIDA. Last evaluated: 2017-12-12. Review status: no assertion criteria provided. Collection method: literature only. Allele origin: germline. Not counted in ClinVar's aggregate classification.

Literature cited by the submitters: PubMed 3866233 (cited by Women's Health and Genetics/Laboratory Corporation of America, LabCorp and Quest Diagnostics Nichols Institute San Juan Capistrano); PubMed 19429541 (cited by Women's Health and Genetics/Laboratory Corporation of America, LabCorp and Quest Diagnostics Nichols Institute San Juan Capistrano); PubMed 17008283 (cited by Women's Health and Genetics/Laboratory Corporation of America, LabCorp and Quest Diagnostics Nichols Institute San Juan Capistrano); PubMed 27207683 (cited by Women's Health and Genetics/Laboratory Corporation of America, LabCorp); PubMed 24385794 (cited by Women's Health and Genetics/Laboratory Corporation of America, LabCorp); PubMed 3758492 (cited by 3 submitters); PubMed 19034506 (cited by Women's Health and Genetics/Laboratory Corporation of America, LabCorp); PubMed 26635043 (cited by Quest Diagnostics Nichols Institute San Juan Capistrano); PubMed 6271242 (cited by OMIM); PubMed 3130858 (cited by OMIM).